The following is an entry in ClinVar:

ClinVar aggregate classification (germline): Conflicting classifications of pathogenicity. Review status: criteria provided, conflicting classifications (1 of 4 stars). 3 submissions from 3 submitters: Uncertain significance (1); Likely benign (2). Last evaluated 2025-08-11.

Conditions:
Familial meningioma. Also called: Meningioma, familial, susceptibility to. Identifiers: Orphanet 263662, MedGen C3551915, MONDO:0011789, OMIM 607174.
Hereditary cancer-predisposing syndrome. Also called: Neoplastic Syndromes, Hereditary; Tumor predisposition; Hereditary neoplastic syndrome; Hereditary Cancer Syndrome. Identifiers: Orphanet 140162, MedGen C0027672, MeSH D009386, MONDO:0015356.

Allele frequency attached by ClinVar (database versions not stated): gnomAD exomes below 0.00001 and 0.00002; gnomAD 0.00001; TOPMed 0.00001; ExAC 0.00002.
gnomAD v4.1: 7 of 1,612,938 alleles (0.00043%); highest among the groups gnomAD compares: East Asian, 0.013%; no homozygotes.

Submissions (3):

Labcorp Genetics (formerly Invitae), Labcorp
Classification: Likely benign for Familial meningioma. Last evaluated: 2025-08-11. Review status: criteria provided, single submitter. Criteria: Invitae Variant Classification Sherloc (09022015). Collection method: clinical testing. Allele origin: germline.

GeneDx
Classification: Uncertain significance. Last evaluated: 2024-01-08. Review status: criteria provided, single submitter. Criteria: GeneDx Variant Classification Process June 2021. Collection method: clinical testing. Allele origin: germline. Affected: yes.
Comment: In silico analysis supports that this variant does not alter splicing; Has not been previously published as pathogenic or benign to our knowledge

Ambry Genetics
Classification: Likely benign for Hereditary cancer-predisposing syndrome. Last evaluated: 2018-11-02. Review status: criteria provided, single submitter. Criteria: Ambry Variant Classification Scheme 2023. Collection method: clinical testing. Allele origin: germline.

NM_003079.5(SMARCE1):c.696G>A (p.Gln232=)

Gene: SMARCE1 (SWI/SNF related BAF chromatin remodeling complex subunit E1; minus strand). Cytogenetic location: 17q21.2.
Variant type: single nucleotide variant.
Coding change: c.696G>A on transcript NM_003079.5 (MANE Select); coding-DNA position 696, G replaced by A.
Protein change: p.Gln232=; no amino-acid change (glutamine 232 retained).
Molecular consequence: synonymous variant.
Genome position (GRCh38, 1-based): chr17:40,632,213, C>T on the plus strand (G>A on the coding strand, the complement: SMARCE1 is on the minus strand). VCF-style: chr17-40632213-C-T. GRCh37 (hg19) VCF-style: chr17-38788465-C-T.
Identifiers: ClinVar variation 826735 (VCV000826735.14), dbSNP rs2293417, ClinGen allele CA8545200.